The following is an entry in ClinVar:

NM_002941.4(ROBO1):c.2765G>A (p.Arg922His)

Gene: ROBO1 (roundabout guidance receptor 1; minus strand). Cytogenetic location: 3p12.3.
Variant type: single nucleotide variant.
Coding change: c.2765G>A on transcript NM_002941.4 (MANE Select); coding-DNA position 2765, G replaced by A.
Protein change: p.Arg922His; replaces arginine 922 with histidine.
Molecular consequence: missense variant.
Genome position (GRCh38, 1-based): chr3:78,651,779, C>T on the plus strand (G>A on the coding strand, the complement: ROBO1 is on the minus strand). VCF-style: chr3-78651779-C-T. GRCh37 (hg19) VCF-style: chr3-78700929-C-T.
Other names: c.2657G>A, p.Arg886His (NM_001145845.2, NM_133631.4); short protein forms R922H, R886H.
Identifiers: ClinVar variation 732586 (VCV000732586.11), dbSNP rs80104116, ClinGen allele CA2498592.
Genomic context (GRCh38, chr3:78,651,779, plus strand): 5'-GGAAAGCTAATACCTTTTCTGATACCCGCGTAGGTACTAGTAAGTCCGTTTCTCTTCTTG[C>T]GGTGTCGATAAAGCCAGATGCTGAAGACCATGAGGATGATCCAACAGGCTGCTCCAATAC-3'
Protein context (NP_002932.1, residues 912-932): MVFSIWLYRH[Arg922His]KKRNGLTSTY

ClinVar aggregate classification (germline): Benign. Review status: criteria provided, single submitter (1 of 4 stars). 2 submissions from 2 submitters: Benign (1). 1 of the submissions does not count toward it. Last evaluated 2026-01-26.

Conditions:
ROBO1-related disorder. Also called: ROBO1-related condition.

Allele frequency attached by ClinVar (database versions not stated): gnomAD exomes 0.00049 and 0.00099; ExAC 0.00102; ESP Exome Variant Server 0.00253; gnomAD 0.00276 and 0.00283; TOPMed 0.00332; 1000 Genomes Project 0.00419; 1000 Genomes Project 30x 0.00484.
gnomAD v4.1: 1,170 of 1,613,392 alleles (0.073%); highest among the groups gnomAD compares: African/African-American, 0.95%; 6 homozygotes.

Submissions (2):

Labcorp Genetics (formerly Invitae), Labcorp
Classification: Benign. Last evaluated: 2026-01-26. Review status: criteria provided, single submitter. Criteria: Invitae Variant Classification Sherloc (09022015). Collection method: clinical testing. Allele origin: germline.

PreventionGenetics, part of Exact Sciences
Classification: Likely benign for ROBO1-related condition. Last evaluated: 2019-02-27. Review status: no assertion criteria provided. Collection method: clinical testing. Allele origin: germline. Not counted in ClinVar's aggregate classification.
Comment: This variant is classified as likely benign based on ACMG/AMP sequence variant interpretation guidelines (Richards et al. 2015 PMID: 25741868, with internal and published modifications).